The following is an entry in ClinVar:

NM_000384.3(APOB):c.3878G>A (p.Ser1293Asn)

Gene: APOB (apolipoprotein B; minus strand). Cytogenetic location: 2p24.1.
Variant type: single nucleotide variant.
Coding change: c.3878G>A on transcript NM_000384.3 (MANE Select); coding-DNA position 3878, G replaced by A.
Protein change: p.Ser1293Asn; replaces serine 1293 with asparagine.
Molecular consequence: missense variant.
Genome position (GRCh38, 1-based): chr2:21,013,498, C>T on the plus strand (G>A on the coding strand, the complement: APOB is on the minus strand). VCF-style: chr2-21013498-C-T. GRCh37 (hg19) VCF-style: chr2-21236370-C-T.
Other names: short protein forms S1293N.
Identifiers: ClinVar variation 1735766 (VCV001735766.5), dbSNP rs141443492, ClinGen allele CA060110.

ClinVar aggregate classification (germline): Conflicting classifications of pathogenicity. Review status: criteria provided, conflicting classifications (1 of 4 stars). 2 submissions from 2 submitters: Uncertain significance (1); Benign (1). Last evaluated 2025-02-10.

Conditions:
Familial hypobetalipoproteinemia 1. Also called: APOB-Related Familial Hypobetalipoproteinemia; Hypobetalipoproteinemia, normotriglyceridemic; Acanthocytosis with hypobetalipoproteinemia. Identifiers: MedGen C4551990, MONDO:0014252, OMIM 615558.
Hypercholesterolemia, autosomal dominant, type B (FHCL2). Also called: Hyperlipoproteinemia Type IIb; Familial hypercholesterolemia 2; Familial Hypercholesterolemia Type B; APOLIPOPROTEIN B-100, FAMILIAL DEFECTIVE; APOLIPOPROTEIN B-100, FAMILIAL LIGAND-DEFECTIVE; HYPERCHOLESTEROLEMIA, FAMILIAL, DUE TO LIGAND-DEFECTIVE APOLIPOPROTEIN B. Identifiers: MedGen C1704417, MONDO:0007751, OMIM 144010.
Cardiovascular phenotype. Identifiers: MedGen CN230736.

Allele frequency attached by ClinVar (database versions not stated): ExAC 0.00002; gnomAD 0.00002; TOPMed 0.00003; ESP Exome Variant Server 0.00015.
gnomAD v4.1: 7 of 1,614,094 alleles (0.00043%); highest among the groups gnomAD compares: African/African-American, 0.004%; no homozygotes.

Submissions (2):

Ambry Genetics
Classification: Uncertain significance for Cardiovascular phenotype. Last evaluated: 2025-02-10. Review status: criteria provided, single submitter. Criteria: Ambry Variant Classification Scheme 2023. Collection method: clinical testing. Allele origin: germline.
Comment: The p.S1293N variant (also known as c.3878G>A), located in coding exon 25 of the APOB gene, results from a G to A substitution at nucleotide position 3878. The serine at codon 1293 is replaced by asparagine, an amino acid with highly similar properties. This amino acid position is conserved. In addition, this alteration is predicted to be tolerated by in silico analysis. Since supporting evidence is limited at this time, the clinical significance of this alteration remains unclear.

Labcorp Genetics (formerly Invitae), Labcorp
Classification: Benign for Familial hypobetalipoproteinemia 1; Hypercholesterolemia, autosomal dominant, type B. Last evaluated: 2025-02-07. Review status: criteria provided, single submitter. Criteria: Invitae Variant Classification Sherloc (09022015). Collection method: clinical testing. Allele origin: germline.